The following is an entry in ClinVar:

ClinVar aggregate classification (germline): Uncertain significance (1 of 4 stars; one submission).

Conditions:
Cataract 14 multiple types. Also called: CATARACT 14, COPPOCK-LIKE; CATARACT 14, ZONULAR PULVERULENT; CATARACT 14, NUCLEAR PULVERULENT; CATARACT 14, NUCLEAR PULVERULENT AND POSTERIOR POLAR; CATARACT 14, NUCLEAR CORALLIFORM; CATARACT 14, EMBRYONAL NUCLEAR. Identifiers: Orphanet 91492, MedGen C1866078, MONDO:0011162, OMIM 601885.

Submission:

Labcorp Genetics (formerly Invitae), Labcorp
Classification: Uncertain significance for Cataract 14 multiple types. Last evaluated: 2022-12-28. Review status: criteria provided, single submitter. Criteria: Invitae Variant Classification Sherloc (09022015). Collection method: clinical testing. Allele origin: germline.
Comment: This sequence change creates a premature translational stop signal (p.Cys181*) in the GJA3 gene. While this is not anticipated to result in nonsense mediated decay, it is expected to disrupt the last 255 amino acid(s) of the GJA3 protein. This variant is not present in population databases (gnomAD no frequency). This variant has not been reported in the literature in individuals affected with GJA3-related conditions. Experimental studies and prediction algorithms are not available or were not evaluated, and the functional significance of this variant is currently unknown. In summary, the available evidence is currently insufficient to determine the role of this variant in disease. Therefore, it has been classified as a Variant of Uncertain Significance.

NM_021954.4(GJA3):c.543C>A (p.Cys181Ter)

Gene: GJA3 (gap junction protein alpha 3; minus strand). Cytogenetic location: 13q12.11.
Variant type: single nucleotide variant.
Coding change: c.543C>A on transcript NM_021954.4 (MANE Select); coding-DNA position 543, C replaced by A.
Protein change: p.Cys181Ter; replaces cysteine 181 with a stop codon.
Molecular consequence: nonsense.
Genome position (GRCh38, 1-based): chr13:20,142,746, G>T on the plus strand (C>A on the coding strand, the complement: GJA3 is on the minus strand). VCF-style: chr13-20142746-G-T. GRCh37 (hg19) VCF-style: chr13-20716885-G-T.
Other names: short protein forms C181*.
Identifiers: ClinVar variation 2959814 (VCV002959814.3), dbSNP rs74607195, ClinGen allele CA387464601.